The following is an entry in ClinVar:

NM_004453.4(ETFDH):c.608T>C (p.Val203Ala)

Gene: ETFDH (electron transfer flavoprotein dehydrogenase; plus strand). Cytogenetic location: 4q32.1.
Variant type: single nucleotide variant.
Coding change: c.608T>C on transcript NM_004453.4 (MANE Select); coding-DNA position 608, T replaced by C.
Protein change: p.Val203Ala; replaces valine 203 with alanine.
Molecular consequence: missense variant.
Genome position (GRCh38, 1-based): chr4:158,690,349, T>C. VCF-style: chr4-158690349-T-C. GRCh37 (hg19) VCF-style: chr4-159611501-T-C.
Other names: c.608T>C (NM_004453.2); c.467T>C, p.Val156Ala (NM_001281737.2); c.425T>C, p.Val142Ala (NM_001281738.1); short protein forms V142A, V156A, V203A.
Identifiers: ClinVar variation 2159842 (VCV002159842.2), dbSNP rs1390324686, ClinGen allele CA358559898.

ClinVar aggregate classification (germline): Uncertain significance. Review status: criteria provided, multiple submitters, no conflicts (2 of 4 stars). 2 submissions from 2 submitters: Uncertain significance (2). Last evaluated 2025-04-02.

Conditions:
Inborn genetic diseases. Identifiers: MedGen C0950123, MeSH D030342.
Multiple acyl-CoA dehydrogenase deficiency (MADD). Also called: Glutaric aciduria, type 2; ETHYLMALONIC-ADIPICACIDURIA; GA II; Glutaric acidemia type II; GA 2; Glutaric Acidemia type 2. Identifiers: Orphanet 26791, MedGen C0268596, MONDO:0009282, OMIM 231680.

Allele frequency attached by ClinVar (database versions not stated): TOPMed below 0.00001.

Submissions (2):

Ambry Genetics
Classification: Uncertain significance for Inborn genetic diseases. Last evaluated: 2025-04-02. Review status: criteria provided, single submitter. Criteria: Ambry Variant Classification Scheme 2023. Collection method: clinical testing. Allele origin: germline.

Labcorp Genetics (formerly Invitae), Labcorp
Classification: Uncertain significance for Multiple acyl-CoA dehydrogenase deficiency. Last evaluated: 2022-05-17. Review status: criteria provided, single submitter. Criteria: Invitae Variant Classification Sherloc (09022015). Collection method: clinical testing. Allele origin: germline.
Comment: This sequence change replaces valine, which is neutral and non-polar, with alanine, which is neutral and non-polar, at codon 203 of the ETFDH protein (p.Val203Ala). This variant is not present in population databases (gnomAD no frequency). This variant has not been reported in the literature in individuals affected with ETFDH-related conditions. Algorithms developed to predict the effect of missense changes on protein structure and function are either unavailable or do not agree on the potential impact of this missense change (SIFT: "Deleterious"; PolyPhen-2: "Benign"; Align-GVGD: "Class C25"). In summary, the available evidence is currently insufficient to determine the role of this variant in disease. Therefore, it has been classified as a Variant of Uncertain Significance.